The following is an entry in ClinVar:

ClinVar aggregate classification (germline): Uncertain significance (1 of 4 stars; one submission).

Conditions:
CRX-related disorder. Also called: CRX-related condition.

gnomAD v4.1: 3 of 1,614,050 alleles (0.00019%); highest among the groups gnomAD compares: African/African-American, 0.004%; no homozygotes.

Submission:

PreventionGenetics, part of Exact Sciences
Classification: Uncertain significance for CRX-related condition. Last evaluated: 2026-06-20. Review status: criteria provided, single submitter. Criteria: ACMG Guidelines, 2015. Collection method: clinical testing. Allele origin: germline.
Comment: The CRX c.15G>T variant is predicted to result in the amino acid substitution p.Met5Ile. To our knowledge, this variant has not been reported in the literature. This variant is present in 0.0062% of alleles in individuals of African descent in gnomAD. At this time, the clinical significance of this variant is uncertain due to the absence of conclusive functional and genetic evidence.

NM_000554.6(CRX):c.15G>T (p.Met5Ile)

Gene: CRX (cone-rod homeobox; plus strand). Cytogenetic location: 19q13.33.
Variant type: single nucleotide variant.
Coding change: c.15G>T on transcript NM_000554.6 (MANE Select); coding-DNA position 15, G replaced by T.
Protein change: p.Met5Ile; replaces methionine 5 with isoleucine.
Molecular consequence: missense variant.
Genome position (GRCh38, 1-based): chr19:47,834,458, G>T. VCF-style: chr19-47834458-G-T. GRCh37 (hg19) VCF-style: chr19-48337715-G-T.
Other names: short protein forms M5I.
Identifiers: ClinVar variation 4993600 (VCV004993600.1).